The following is an entry in ClinVar:

NM_003002.4(SDHD):c.27C>T (p.Ala9=)

Genes: SDHD (succinate dehydrogenase complex subunit D; plus strand), LOC126861339 (BRD4-independent group 4 enhancer GRCh37_chr11:111957035-111958234; plus strand). Cytogenetic location: 11q23.1.
Variant type: single nucleotide variant.
Coding change: c.27C>T on transcript NM_003002.4 (MANE Select); coding-DNA position 27, C replaced by T.
Protein change: p.Ala9=; no amino-acid change (alanine 9 retained).
Molecular consequence: synonymous variant. On other transcripts: non-coding transcript variant (1).
Genome position (GRCh38, 1-based): chr11:112,086,934, C>T. VCF-style: chr11-112086934-C-T. GRCh37 (hg19) VCF-style: chr11-111957658-C-T.
Other names: c.27C>T, p.Ala9= (NM_001276503.2, NM_001276504.2, NM_001276506.2).
Identifiers: ClinVar variation 1619946 (VCV001619946.13), dbSNP rs1555186670, ClinGen allele CA476789086.

ClinVar aggregate classification (germline): Benign/Likely benign. Review status: criteria provided, multiple submitters, no conflicts (2 of 4 stars). 5 submissions from 5 submitters: Benign (1); Likely benign (4). Last evaluated 2025-03-30.

Conditions:
Pheochromocytoma/paraganglioma syndrome 1. Also called: PARAGANGLIOMAS, FAMILIAL NONCHROMAFFIN, 1; PGL 1; Paragangliomas familial 1; PARAGANGLIOMATA; Paragangliomas 1; Glomus tumors familial 1. Identifiers: Orphanet 29072, MedGen C3494181, MONDO:0008192, OMIM 168000.
Hereditary cancer-predisposing syndrome. Also called: Neoplastic Syndromes, Hereditary; Tumor predisposition; Hereditary Cancer Syndrome; Hereditary neoplastic syndrome. Identifiers: Orphanet 140162, MedGen C0027672, MeSH D009386, MONDO:0015356.
Paragangliomas with sensorineural hearing loss. Identifiers: MedGen C1868633.
Pheochromocytoma. Also called: MAX-Related Hereditary Paraganglioma-Pheochromocytoma Syndrome. Identifiers: Orphanet 29072, MedGen C0031511, MONDO:0008233, OMIM 171300, HP:0002666.
Carney-Stratakis syndrome. Also called: PARAGANGLIOMA AND GASTROINTESTINAL STROMAL TUMOR. Identifiers: Orphanet 97286, MedGen C1847319, MONDO:0011740, OMIM 606864.
Cowden syndrome 3 (CWS3). Identifiers: Orphanet 201, MedGen CN166604, MONDO:0014045.
Hereditary pheochromocytoma and paraganglioma. Also called: Hereditary pheochromocytoma-paraganglioma; Hereditary paragangliomas and pheochromocytomas; Hereditary Paraganglioma-Pheochromocytoma Syndromes. Identifiers: Orphanet 29072, MedGen C4274332, MONDO:0017366.

gnomAD v4.1: 5 of 1,614,170 alleles (0.00031%); highest among the groups gnomAD compares: Non-Finnish European, 0.00025%; no homozygotes.

Submissions (5):

Labcorp Genetics (formerly Invitae), Labcorp
Classification: Likely benign for Carney-Stratakis syndrome; Paragangliomas with sensorineural hearing loss; Pheochromocytoma; Cowden syndrome 3. Last evaluated: 2025-03-30. Review status: criteria provided, single submitter. Criteria: Invitae Variant Classification Sherloc (09022015). Collection method: clinical testing. Allele origin: germline.

Myriad Genetics, Inc.
Classification: Benign for Pheochromocytoma/paraganglioma syndrome 1. Last evaluated: 2025-03-17. Review status: criteria provided, single submitter. Criteria: Myriad Autosomal Dominant, Autosomal Recessive and X-Linked Classification Criteria (2023). Collection method: clinical testing. Allele origin: unknown.
Comment: This variant is considered benign. This variant is a silent/synonymous amino acid change and it is not expected to impact splicing.

All of Us Research Program, National Institutes of Health
Classification: Likely benign for Hereditary pheochromocytoma and paraganglioma. Last evaluated: 2023-06-08. Review status: criteria provided, single submitter. Criteria: ACMG Guidelines, 2015. Collection method: clinical testing. Allele origin: germline. Inheritance: Autosomal dominant inheritance. Observed: 1 variant allele, 1 heterozygote.
Comment: This study involves interpretation of variants in research participants for the purpose of population health screening. Participant phenotype was not available at the time of variant classification. Additional details can be found in publication PMID: 35346344, PMCID: PMC8962531

Color Diagnostics, LLC DBA Color Health
Classification: Likely benign for Hereditary pheochromocytoma and paraganglioma. Last evaluated: 2022-11-06. Review status: criteria provided, single submitter. Criteria: ACMG Guidelines, 2015. Collection method: clinical testing. Allele origin: germline.

Ambry Genetics
Classification: Likely benign for Hereditary cancer-predisposing syndrome. Last evaluated: 2022-04-19. Review status: criteria provided, single submitter. Criteria: Ambry Variant Classification Scheme 2023. Collection method: clinical testing. Allele origin: germline.